The following is an entry in ClinVar:

ClinVar aggregate classification (germline): Uncertain significance (1 of 4 stars; one submission).

Conditions:
Congenital dyserythropoietic anemia, type II (CDAN2). Also called: DYSERYTHROPOIETIC ANEMIA, HEMPAS TYPE. Identifiers: Orphanet 98873, MedGen C1306589, MONDO:0009134, OMIM 224100.

gnomAD v4.1: 4 of 1,613,834 alleles (0.00025%); highest among the groups gnomAD compares: Non-Finnish European, 0.00034%; no homozygotes.

Submission:

3billion
Classification: Uncertain significance for Congenital dyserythropoietic anemia, type II. Last evaluated: 2025-05-28. Review status: criteria provided, single submitter. Criteria: ACMG Guidelines, 2015. Collection method: clinical testing. Allele origin: germline. Affected: yes.
Comment: The variant is observed at an extremely low frequency in the gnomAD v4.1.0 dataset (total allele frequency: <0.001%). Predicted Consequence/Location: Missense variant. The majority of the known disease-causing variants of this gene are variants expected to result in premature termination of the protein. In silico tool predictions suggest damaging effect of the variant on gene or gene product [REVEL: 0.98 (>=0.6, sensitivity 0.68 and specificity 0.92); 3Cnet: 0.19 (> 0.75, sensitivity 0.96 and precision 0.92)]. The same nucleotide change resulting in the same amino acid change has been previously reported to be associated with SEC23B-related disorder (PMID: 20381388). However, the evidence of pathogenicity is insufficient at this time. Therefore, this variant is classified as VUS according to the recommendation of ACMG/AMP guideline.

Literature cited by the submitters: PubMed 20381388.

NM_006363.6(SEC23B):c.197G>A (p.Cys66Tyr)

Gene: SEC23B (SEC23 homolog B, COPII component; plus strand). Cytogenetic location: 20p11.23.
Variant type: single nucleotide variant.
Coding change: c.197G>A on transcript NM_006363.6 (MANE Select); coding-DNA position 197, G replaced by A.
Protein change: p.Cys66Tyr; replaces cysteine 66 with tyrosine.
Molecular consequence: missense variant.
Genome position (GRCh38, 1-based): chr20:18,511,032, G>A. VCF-style: chr20-18511032-G-A. GRCh37 (hg19) VCF-style: chr20-18491676-G-A.
Other names: c.197G>A, p.Cys66Tyr (NM_001172745.3, NM_001172746.3, NM_032985.6 and 1 more transcripts); short protein forms C66Y.
Identifiers: ClinVar variation 4854181 (VCV004854181.1).